The following is an entry in ClinVar:

NM_139076.3(ABRAXAS1):c.43C>T (p.Leu15Phe)

Genes: ABRAXAS1 (abraxas 1, BRCA1 A complex subunit; minus strand), LOC129992784 (ATAC-STARR-seq lymphoblastoid silent region 15542; plus strand). Cytogenetic location: 4q21.23.
Variant type: single nucleotide variant.
Coding change: c.43C>T on transcript NM_139076.3 (MANE Select); coding-DNA position 43, C replaced by T.
Protein change: p.Leu15Phe; replaces leucine 15 with phenylalanine.
Molecular consequence: missense variant. On other transcripts: 5 prime UTR variant (1).
Genome position (GRCh38, 1-based): chr4:83,485,030, G>A on the plus strand (C>T on the coding strand, the complement: ABRAXAS1 is on the minus strand). VCF-style: chr4-83485030-G-A. GRCh37 (hg19) VCF-style: chr4-84406183-G-A.
Other names: c.-218C>T (NM_001345962.2); short protein forms L15F.
Identifiers: ClinVar variation 1800408 (VCV001800408.3), dbSNP rs1333194633, ClinGen allele CA357264006.

ClinVar aggregate classification (germline): Uncertain significance. Review status: criteria provided, multiple submitters, no conflicts (2 of 4 stars). 2 submissions from 2 submitters: Uncertain significance (2). Last evaluated 2025-10-14.

Allele frequency attached by ClinVar (database versions not stated): gnomAD exomes below 0.00001.
gnomAD v4.1: 2 of 1,596,658 alleles (0.00013%); highest among the groups gnomAD compares: South Asian, 0.0011%; no homozygotes.

Submissions (2):

Women's Health and Genetics/Laboratory Corporation of America, LabCorp
Classification: Uncertain significance. Last evaluated: 2025-10-14. Review status: criteria provided, single submitter. Criteria: LabCorp Variant Classification Summary - May 2015. Collection method: clinical testing. Allele origin: germline.

Ambry Genetics
Classification: Uncertain significance. Last evaluated: 2022-08-22. Review status: criteria provided, single submitter. Criteria: Ambry Variant Classification Scheme 2023. Collection method: clinical testing. Allele origin: germline.
Comment: The p.L15F variant (also known as c.43C>T), located in coding exon 1 of the FAM175A gene, results from a C to T substitution at nucleotide position 43. The leucine at codon 15 is replaced by phenylalanine, an amino acid with highly similar properties. This amino acid position is conserved. In addition, this alteration is predicted to be tolerated by in silico analysis. Since supporting evidence is limited at this time, the clinical significance of this alteration remains unclear.